The following is an entry in ClinVar:

NM_000038.6(APC):c.7894T>C (p.Ser2632Pro)

Gene: APC (APC regulator of Wnt signaling pathway; plus strand). Cytogenetic location: 5q22.2.
Variant type: single nucleotide variant.
Coding change: c.7894T>C on transcript NM_000038.6 (MANE Select); coding-DNA position 7894, T replaced by C.
Protein change: p.Ser2632Pro; replaces serine 2632 with proline.
Molecular consequence: missense variant. On other transcripts: non-coding transcript variant (2).
Genome position (GRCh38, 1-based): chr5:112,843,488, T>C. VCF-style: chr5-112843488-T-C. GRCh37 (hg19) VCF-style: chr5-112179185-T-C.
Other names: c.7894T>C, p.Ser2632Pro (NM_001127510.3, NM_001354895.2, NM_001407450.1); c.7840T>C, p.Ser2614Pro (NM_001127511.3); c.7948T>C, p.Ser2650Pro (NM_001354896.2, NM_001407447.1, NM_001407448.1 and 1 more transcripts); c.7924T>C, p.Ser2642Pro (NM_001354897.2); c.7819T>C, p.Ser2607Pro (NM_001354898.2); c.7810T>C, p.Ser2604Pro (NM_001354899.2); c.7771T>C, p.Ser2591Pro (NM_001354900.2); c.7717T>C, p.Ser2573Pro (NM_001354901.2, NM_001407453.1); and 11 more; short protein forms S2349P, S2472P, S2503P, S2549P, S2660P, S2604P, S2607P, S2625P.
Identifiers: ClinVar variation 2765388 (VCV002765388.3), dbSNP rs2149995709, ClinGen allele CA16038478.

ClinVar aggregate classification (germline): Uncertain significance (1 of 4 stars; one submission).

Conditions:
Familial adenomatous polyposis 1 (FAP1). Also called: POLYPOSIS, ADENOMATOUS INTESTINAL; FAMILIAL ADENOMATOUS POLYPOSIS 1, ATTENUATED. Identifiers: MedGen C2713442, MONDO:0021056, OMIM 175100. Disease mechanism: loss of function.

Submission:

Labcorp Genetics (formerly Invitae), Labcorp
Classification: Uncertain significance for Familial adenomatous polyposis 1. Last evaluated: 2023-10-04. Review status: criteria provided, single submitter. Criteria: Invitae Variant Classification Sherloc (09022015). Collection method: clinical testing. Allele origin: germline.
Comment: This sequence change replaces serine, which is neutral and polar, with proline, which is neutral and non-polar, at codon 2632 of the APC protein (p.Ser2632Pro). This variant is not present in population databases (gnomAD no frequency). This variant has not been reported in the literature in individuals affected with APC-related conditions. Advanced modeling of protein sequence and biophysical properties (such as structural, functional, and spatial information, amino acid conservation, physicochemical variation, residue mobility, and thermodynamic stability) performed at Invitae indicates that this missense variant is not expected to disrupt APC protein function. In summary, the available evidence is currently insufficient to determine the role of this variant in disease. Therefore, it has been classified as a Variant of Uncertain Significance.